The following is an entry in ClinVar:

NM_003579.4(RAD54L):c.2048G>T (p.Arg683Leu)

Genes: LRRC41 (leucine rich repeat containing 41; minus strand), RAD54L (RAD54 like; plus strand). Cytogenetic location: 1p34.1.
Variant type: single nucleotide variant.
Coding change: c.2048G>T on transcript NM_003579.4 (MANE Select); coding-DNA position 2048, G replaced by T.
Protein change: p.Arg683Leu; replaces arginine 683 with leucine.
Molecular consequence: missense variant. On other transcripts: 3 prime UTR variant (1).
Genome position (GRCh38, 1-based): chr1:46,278,086, G>T. VCF-style: chr1-46278086-G-T. GRCh37 (hg19) VCF-style: chr1-46743758-G-T.
Other names: c.*779C>A (NM_006369.5); c.2048G>T, p.Arg683Leu (NM_001142548.2); c.1508G>T, p.Arg503Leu (NM_001370766.1); short protein forms R503L, R683L.
Identifiers: ClinVar variation 3223425 (VCV003223425.1), dbSNP rs1361608832, ClinGen allele CA340190833.

ClinVar aggregate classification (germline): Uncertain significance (1 of 4 stars; one submission).

gnomAD v4.1: 1 of 1,614,106 alleles (0.000062%); no homozygotes.

Submission:

Ambry Genetics
Classification: Uncertain significance. Last evaluated: 2023-09-19. Review status: criteria provided, single submitter. Criteria: Ambry Variant Classification Scheme 2023. Collection method: clinical testing. Allele origin: germline.
Comment: The p.R683L variant (also known as c.2048G>T), located in coding exon 18 of the RAD54L gene, results from a G to T substitution at nucleotide position 2048. The arginine at codon 683 is replaced by leucine, an amino acid with dissimilar properties. This amino acid position is conserved. In addition, this alteration is predicted to be deleterious by in silico analysis. Since supporting evidence is limited at this time, the clinical significance of this alteration remains unclear.